The following is an entry in ClinVar:

ClinVar aggregate classification (germline): Uncertain significance (1 of 4 stars; one submission).

gnomAD v4.1: 1 of 1,612,628 alleles (0.000062%); highest among the groups gnomAD compares: Non-Finnish European, 0.000085%; no homozygotes.

Submission:

Ambry Genetics
Classification: Uncertain significance. Last evaluated: 2025-09-25. Review status: criteria provided, single submitter. Criteria: Ambry Variant Classification Scheme 2023. Collection method: clinical testing. Allele origin: germline.
Comment: The c.1075A>G (p.T359A) alteration is located in exon 12 (coding exon 12) of the RBMS1 gene. This alteration results from a A to G substitution at nucleotide position 1075, causing the threonine (T) at amino acid position 359 to be replaced by an alanine (A). Based on data from gnomAD, the G allele has an overall frequency of <0.001% (1/251374) total alleles studied. The highest observed frequency was 0.001% (1/113702) of European (non-Finnish) alleles. Based on insufficient or conflicting evidence, the clinical significance of this alteration remains unclear.

NM_016836.4(RBMS1):c.1075A>G (p.Thr359Ala)

Gene: RBMS1 (RNA binding motif single stranded interacting protein 1; minus strand). Cytogenetic location: 2q24.2.
Variant type: single nucleotide variant.
Coding change: c.1075A>G on transcript NM_016836.4 (MANE Select); coding-DNA position 1075, A replaced by G.
Protein change: p.Thr359Ala; replaces threonine 359 with alanine.
Molecular consequence: missense variant.
Genome position (GRCh38, 1-based): chr2:160,277,371, T>C on the plus strand (A>G on the coding strand, the complement: RBMS1 is on the minus strand). VCF-style: chr2-160277371-T-C. GRCh37 (hg19) VCF-style: chr2-161133882-T-C.
Other names: c.1066A>G, p.Thr356Ala (NM_002897.5); short protein forms T356A, T359A.
Identifiers: ClinVar variation 4576626 (VCV004576626.1).